The following is an entry in ClinVar:

NM_001372044.2(SHANK3):c.3876C>T (p.Asn1292=)

Gene: SHANK3 (SH3 and multiple ankyrin repeat domains 3; plus strand). Cytogenetic location: 22q13.33.
Variant type: single nucleotide variant.
Coding change: c.3876C>T on transcript NM_001372044.2 (MANE Select); coding-DNA position 3876, C replaced by T.
Protein change: p.Asn1292=; no amino-acid change (asparagine 1292 retained).
Molecular consequence: synonymous variant.
Genome position (GRCh38, 1-based): chr22:50,721,484, C>T. VCF-style: chr22-50721484-C-T. GRCh37 (hg19) VCF-style: chr22-51159912-C-T.
Other names: c.3651C>T, p.Asn1217= (NM_033517.1).
Identifiers: ClinVar variation 588161 (VCV000588161.32), dbSNP rs371876840, ClinGen allele CA10326094.
Genomic context (GRCh38, chr22:50,721,484, plus strand): 5'-CGTCCTGGACACATCCCTGCAGCGGCCAGCTGGCCTCATCGTTGTGCACGCCACCAGCAA[C>T]GGGCAGGAGCCCAGCAGGCTGGGGGGGGCCGAAGAGGAGCGCCCGGGCACCCCGGAGTTG-3'
Protein context (NP_001358973.1, residues 1282-1302): AGLIVVHATS[Asn1292=]GQEPSRLGGA

ClinVar aggregate classification (germline): Benign/Likely benign. Review status: criteria provided, multiple submitters, no conflicts (2 of 4 stars). 5 submissions from 5 submitters: Benign (1); Likely benign (4). Last evaluated 2024-08-01.

Conditions:
Inborn genetic diseases. Identifiers: MedGen C0950123, MeSH D030342.

Allele frequency attached by ClinVar (database versions not stated): ESP Exome Variant Server 0.00008; gnomAD 0.00028; TOPMed 0.00030.

Submissions (5):

Blueprint Genetics
Classification: Likely benign. Last evaluated: 2024-08-01. Review status: criteria provided, single submitter. Criteria: ACMG Guidelines, 2015. Collection method: clinical testing. Allele origin: germline.

CeGaT Center for Human Genetics Tuebingen
Classification: Likely benign. Last evaluated: 2024-05-01. Review status: criteria provided, single submitter. Criteria: CeGaT Center For Human Genetics Tuebingen Variant Classification Criteria Version 2. Collection method: clinical testing. Allele origin: germline. Affected: yes. Observed: 12 variant alleles.
Comment: SHANK3: BP4, BP7

GeneDx
Classification: Benign. Last evaluated: 2020-12-08. Review status: criteria provided, single submitter. Criteria: GeneDx Variant Classification Process June 2021. Collection method: clinical testing. Allele origin: germline. Affected: yes.

Ambry Genetics
Classification: Likely benign for Inborn genetic diseases. Last evaluated: 2016-08-16. Review status: criteria provided, single submitter. Criteria: Ambry Variant Classification Scheme 2023. Collection method: clinical testing. Allele origin: germline.

Breakthrough Genomics
Classification: Likely benign. Review status: criteria provided, single submitter. Criteria: ACMG Guidelines, 2015. Collection method: not provided. Allele origin: germline. Inheritance: Autosomal dominant inheritance. Affected: yes.